The following is an entry in ClinVar:

NM_003331.5(TYK2):c.806G>T (p.Arg269Leu)

Gene: TYK2 (tyrosine kinase 2; minus strand). Cytogenetic location: 19p13.2.
Variant type: single nucleotide variant.
Coding change: c.806G>T on transcript NM_003331.5 (MANE Select); coding-DNA position 806, G replaced by T.
Protein change: p.Arg269Leu; replaces arginine 269 with leucine.
Molecular consequence: missense variant.
Genome position (GRCh38, 1-based): chr19:10,365,722, C>A on the plus strand (G>T on the coding strand, the complement: TYK2 is on the minus strand). VCF-style: chr19-10365722-C-A. GRCh37 (hg19) VCF-style: chr19-10476398-C-A.
Other names: c.806G>T, p.Arg269Leu (NM_001385197.1, NM_001385198.1, NM_001385199.1 and 7 more transcripts); c.716G>T, p.Arg239Leu (NM_001385205.1); short protein forms R239L, R269L.
Identifiers: ClinVar variation 1699875 (VCV001699875.2), dbSNP rs770841701, ClinGen allele CA9193609.

ClinVar aggregate classification (germline): Uncertain significance (1 of 4 stars; one submission).

gnomAD v4.1: 11 of 1,612,916 alleles (0.00068%); highest among the groups gnomAD compares: South Asian, 0.012%; no homozygotes.

Submission:

GeneDx
Classification: Uncertain significance. Last evaluated: 2022-01-28. Review status: criteria provided, single submitter. Criteria: GeneDx Variant Classification Process June 2021. Collection method: clinical testing. Allele origin: germline. Affected: yes.
Comment: In silico analysis supports that this missense variant does not alter protein structure/function; Has not been previously published as pathogenic or benign to our knowledge